The following is an entry in ClinVar:

NM_000359.3(TGM1):c.2034_2044del (p.Val679fs)

Gene: TGM1 (transglutaminase 1; minus strand). Cytogenetic location: 14q12.
Variant type: Deletion.
Coding change: c.2034_2044del on transcript NM_000359.3 (MANE Select); coding-DNA positions 2034 to 2044, 11 bases deleted (GGTGCTGGCCA).
Protein change: p.Val679fs; shifts the reading frame from valine 679.
Molecular consequence: frameshift variant.
Genome position (GRCh38, 1-based): chr14:24,254,708-24,254,718, TGGCCAGCACC deleted on the plus strand (GGTGCTGGCCA on the coding strand, the reverse complement: TGM1 is on the minus strand); deleting any 11 consecutive bases within chr14:24,254,708-24,254,720 gives the same sequence; the c. name uses the placement nearest the transcript's 3' end. VCF-style (leftmost placement, unchanged base first): chr14-24254707-TTGGCCAGCACC-T. GRCh37 (hg19) VCF-style: chr14-24723913-TTGGCCAGCACC-T.
Other names: short protein forms V679fs.
Identifiers: ClinVar variation 4818264 (VCV004818264.1).
Genomic context (GRCh38, chr14:24,254,707, plus strand): 5'-CAGCAAACTGCATTCACCGTGAGGGAGAGGTCTGGGGTGCGCAGACGGAAGGTGTGCTGC[TTGGCCAGCACC>T]TGCCCGCTCTCCTTGACGTGGCCTGAGACATTGAGCAGCATGGCCCCCTGGTCCACAAGA-3'

ClinVar aggregate classification (germline): Likely pathogenic (1 of 4 stars; one submission).

Conditions:
Autosomal recessive congenital ichthyosis 1 (LI1). Also called: COLLODION FETUS; DESQUAMATION OF NEWBORN; ICHTHYOSIS CONGENITA; ICHTHYOSIS CONGENITA II; LAMELLAR EXFOLIATION OF NEWBORN; ICHTHYOSIS, CONGENITAL, AUTOSOMAL RECESSIVE 1, WITH BATHING SUIT DISTRIBUTION. Identifiers: MedGen C4551630, MONDO:0009441, OMIM 242300.

Submission:

Natera, Inc.
Classification: Likely pathogenic for Autosomal recessive congenital ichthyosis type 1. Last evaluated: 2025-11-03. Review status: criteria provided, single submitter. Criteria: Natera Variant Classification Schema (03/2026). Collection method: clinical testing. Allele origin: germline.
Comment: The c.2034_2044del variant in TGM1 is a frameshift variant predicted to shift the reading frame beginning at codon 679 and leads to a stop codon 26 codons downstream. This variant is expected to result in nonsense mediated decay, truncation, or a dysfunctional protein product. This variant is rare in the general population with a frequency below the threshold expected for the associated phenotype(s). Given the available evidence, this variant is classified as Likely Pathogenic.